The following is an entry in ClinVar:

ClinVar aggregate classification (germline): Uncertain significance. Review status: criteria provided, multiple submitters, no conflicts (2 of 4 stars). 2 submissions from 2 submitters: Uncertain significance (2). Last evaluated 2022-07-23.

Conditions:
Inborn genetic diseases. Identifiers: MedGen C0950123, MeSH D030342.

Allele frequency attached by ClinVar (database versions not stated): gnomAD 0.00001.
gnomAD v4.1: 15 of 1,614,024 alleles (0.00093%); highest among the groups gnomAD compares: Admixed American, 0.0033%; no homozygotes.

Submissions (2):

Labcorp Genetics (formerly Invitae), Labcorp
Classification: Uncertain significance. Last evaluated: 2022-07-23. Review status: criteria provided, single submitter. Criteria: Invitae Variant Classification Sherloc (09022015). Collection method: clinical testing. Allele origin: germline.
Comment: This sequence change replaces serine, which is neutral and polar, with leucine, which is neutral and non-polar, at codon 1866 of the MCM3AP protein (p.Ser1866Leu). This variant is present in population databases (rs749333870, gnomAD 0.003%). This variant has not been reported in the literature in individuals affected with MCM3AP-related conditions. ClinVar contains an entry for this variant (Variation ID: 1414442). Algorithms developed to predict the effect of missense changes on protein structure and function (SIFT, PolyPhen-2, Align-GVGD) all suggest that this variant is likely to be tolerated. In summary, the available evidence is currently insufficient to determine the role of this variant in disease. Therefore, it has been classified as a Variant of Uncertain Significance.

Ambry Genetics
Classification: Uncertain significance for Inborn genetic diseases. Last evaluated: 2021-06-21. Review status: criteria provided, single submitter. Criteria: Ambry Variant Classification Scheme 2023. Collection method: clinical testing. Allele origin: germline.

NM_003906.5(MCM3AP):c.5597C>T (p.Ser1866Leu)

Genes: MCM3AP (minichromosome maintenance complex component 3 associated protein; minus strand), MCM3AP-AS1 (MCM3AP antisense RNA 1; plus strand). Cytogenetic location: 21q22.3.
Variant type: single nucleotide variant.
Coding change: c.5597C>T on transcript NM_003906.5 (MANE Select); coding-DNA position 5597, C replaced by T.
Protein change: p.Ser1866Leu; replaces serine 1866 with leucine.
Molecular consequence: missense variant. On other transcripts: non-coding transcript variant (4).
Genome position (GRCh38, 1-based): chr21:46,240,847, G>A on the plus strand (C>T on the coding strand, the complement: MCM3AP is on the minus strand). VCF-style: chr21-46240847-G-A. GRCh37 (hg19) VCF-style: chr21-47660761-G-A.
Other names: c.5597C>T (NM_003906.3); short protein forms S1866L.
Identifiers: ClinVar variation 1414442 (VCV001414442.4), dbSNP rs749333870, ClinGen allele CA10075805.